The following is an entry in ClinVar:

NM_206933.4(USH2A):c.9473del (p.Lys3158fs)

Gene: USH2A (usherin; minus strand). Cytogenetic location: 1q41.
Variant type: Deletion.
Coding change: c.9473del on transcript NM_206933.4 (MANE Select); coding-DNA position 9473, one base deleted (A; older notation c.9473delA).
Protein change: p.Lys3158fs; shifts the reading frame from lysine 3158.
Molecular consequence: frameshift variant.
Genome position (GRCh38, 1-based): chr1:215,817,094, T deleted on the plus strand (A on the coding strand, the reverse complement: USH2A is on the minus strand); the first of 4 consecutive T bases (chr1:215,817,094-215,817,097); deleting any one gives the same sequence. VCF-style (leftmost placement, unchanged base first): chr1-215817093-CT-C. GRCh37 (hg19) VCF-style: chr1-215990435-CT-C.
Other names: short protein forms K3158fs.
Identifiers: ClinVar variation 1172700 (VCV001172700.8), dbSNP rs2102796411, ClinGen allele CA2499214470.

ClinVar aggregate classification (germline): Pathogenic. Review status: criteria provided, multiple submitters, no conflicts (2 of 4 stars). 3 submissions from 3 submitters: Pathogenic (3). Last evaluated 2023-11-04.

Conditions:
Usher syndrome type 2A. Also called: RETINAL DISEASE IN USHER SYNDROME TYPE IIA, MODIFIER OF; USHER SYNDROME, TYPE IIA. Identifiers: Orphanet 231178, Orphanet 886, MedGen C1848634, MONDO:0010169, OMIM 276901.

Submissions (3):

Genome-Nilou Lab
Classification: Pathogenic for Usher syndrome type 2A. Last evaluated: 2023-11-04. Review status: criteria provided, single submitter. Criteria: ACMG Guidelines, 2015. Collection method: clinical testing. Allele origin: germline. Affected: no.

DBGen Ocular Genomics
Classification: Pathogenic for Usher syndrome type 2A. Last evaluated: 2021-05-25. Review status: criteria provided, single submitter. Criteria: ACMG Guidelines, 2015. Collection method: clinical testing. Allele origin: germline. Affected: yes. Observed: 1 variant allele.

Labcorp Genetics (formerly Invitae), Labcorp
Classification: Pathogenic. Last evaluated: 2021-04-26. Review status: criteria provided, single submitter. Criteria: Invitae Variant Classification Sherloc (09022015). Collection method: clinical testing. Allele origin: germline.
Comment: Algorithms developed to predict the effect of sequence changes on RNA splicing suggest that this variant may create or strengthen a splice site, but this prediction has not been confirmed by published transcriptional studies. This variant has not been reported in the literature in individuals with USH2A-related conditions. This variant is not present in population databases (ExAC no frequency). This sequence change creates a premature translational stop signal (p.Lys3158Serfs*2) in the USH2A gene. It is expected to result in an absent or disrupted protein product. Loss-of-function variants in USH2A are known to be pathogenic (PMID: 10729113, 10909849, 20507924, 25649381). For these reasons, this variant has been classified as Pathogenic.

Literature cited by the submitters: PubMed 10729113 (cited by Labcorp Genetics (formerly Invitae), Labcorp); PubMed 10909849 (cited by Labcorp Genetics (formerly Invitae), Labcorp); PubMed 20507924 (cited by Labcorp Genetics (formerly Invitae), Labcorp); PubMed 25649381 (cited by Labcorp Genetics (formerly Invitae), Labcorp).